The following is an entry in ClinVar:

NM_000460.4(THPO):c.524G>A (p.Arg175Gln)

Gene: THPO (thrombopoietin; minus strand). Cytogenetic location: 3q27.1.
Variant type: single nucleotide variant.
Coding change: c.524G>A on transcript NM_000460.4 (MANE Select); coding-DNA position 524, G replaced by A.
Protein change: p.Arg175Gln; replaces arginine 175 with glutamine.
Molecular consequence: missense variant. On other transcripts: synonymous variant (2), intron variant (2).
Genome position (GRCh38, 1-based): chr3:184,373,051, C>T on the plus strand (G>A on the coding strand, the complement: THPO is on the minus strand). VCF-style: chr3-184373051-C-T. GRCh37 (hg19) VCF-style: chr3-184090839-C-T.
Other names: c.512G>A, p.Arg171Gln (NM_001177597.2, NM_001290022.1); c.507G>A, p.Ala169= (NM_001177598.2, NM_001290026.1); c.524G>A, p.Arg175Gln (NM_001289998.1, NM_001290028.1); c.944G>A, p.Arg315Gln (NM_001290003.1); c.477+47G>A (NM_001290027.1, NM_001289997.1); short protein forms R175Q, R315Q, R171Q.
Identifiers: ClinVar variation 1430067 (VCV001430067.8), dbSNP rs565338826, ClinGen allele CA2734921.

ClinVar aggregate classification (germline): Uncertain significance (1 of 4 stars; one submission).

Allele frequency attached by ClinVar (database versions not stated): gnomAD 0.00003 and 0.00006; gnomAD exomes 0.00004 and 0.00009; TOPMed 0.00006; ExAC 0.00009; 1000 Genomes Project 30x 0.00047; 1000 Genomes Project 0.00060.
gnomAD v4.1: 71 of 1,614,032 alleles (0.0044%); highest among the groups gnomAD compares: East Asian, 0.051%; no homozygotes.

Submission:

Labcorp Genetics (formerly Invitae), Labcorp
Classification: Uncertain significance. Last evaluated: 2022-12-06. Review status: criteria provided, single submitter. Criteria: Invitae Variant Classification Sherloc (09022015). Collection method: clinical testing. Allele origin: germline.
Comment: This sequence change replaces arginine, which is basic and polar, with glutamine, which is neutral and polar, at codon 175 of the THPO protein (p.Arg175Gln). This variant is present in population databases (rs565338826, gnomAD 0.07%). This variant has not been reported in the literature in individuals affected with THPO-related conditions. ClinVar contains an entry for this variant (Variation ID: 1430067). Advanced modeling of protein sequence and biophysical properties (such as structural, functional, and spatial information, amino acid conservation, physicochemical variation, residue mobility, and thermodynamic stability) performed at Invitae indicates that this missense variant is not expected to disrupt THPO protein function. In summary, the available evidence is currently insufficient to determine the role of this variant in disease. Therefore, it has been classified as a Variant of Uncertain Significance.